The following is an entry in ClinVar:

ClinVar aggregate classification (germline): Uncertain significance (1 of 4 stars; one submission).

Conditions:
Hereditary cancer-predisposing syndrome. Also called: Neoplastic Syndromes, Hereditary; Tumor predisposition; Hereditary Cancer Syndrome; Hereditary neoplastic syndrome. Identifiers: Orphanet 140162, MedGen C0027672, MeSH D009386, MONDO:0015356.

Allele frequency attached by ClinVar (database versions not stated): gnomAD exomes below 0.00001.
gnomAD v4.1: 1 of 1,611,472 alleles (0.000062%); highest among the groups gnomAD compares: Non-Finnish European, 0.000085%; no homozygotes.

Submission:

Ambry Genetics
Classification: Uncertain significance for Hereditary cancer-predisposing syndrome. Last evaluated: 2021-07-15. Review status: criteria provided, single submitter. Criteria: Ambry Variant Classification Scheme 2023. Collection method: clinical testing. Allele origin: germline.
Comment: The p.E691Q variant (also known as c.2071G>C), located in coding exon 19 of the POLE gene, results from a G to C substitution at nucleotide position 2071. The glutamic acid at codon 691 is replaced by glutamine, an amino acid with highly similar properties. This amino acid position is conserved. In addition, this alteration is predicted to be tolerated by in silico analysis. Since supporting evidence is limited at this time, the clinical significance of this alteration remains unclear.

NM_006231.4(POLE):c.2071G>C (p.Glu691Gln)

Gene: POLE (DNA polymerase epsilon, catalytic subunit; minus strand). Cytogenetic location: 12q24.33.
Variant type: single nucleotide variant.
Coding change: c.2071G>C on transcript NM_006231.4 (MANE Select); coding-DNA position 2071, G replaced by C.
Protein change: p.Glu691Gln; replaces glutamic acid 691 with glutamine.
Molecular consequence: missense variant.
Genome position (GRCh38, 1-based): chr12:132,668,458, C>G on the plus strand (G>C on the coding strand, the complement: POLE is on the minus strand). VCF-style: chr12-132668458-C-G. GRCh37 (hg19) VCF-style: chr12-133245044-C-G.
Other names: short protein forms E691Q.
Identifiers: ClinVar variation 1785403 (VCV001785403.2), dbSNP rs2135975832, ClinGen allele CA387354228.